The following is an entry in ClinVar:

ClinVar aggregate classification (germline): Uncertain significance (1 of 4 stars; one submission).

Conditions:
Emery-Dreifuss muscular dystrophy 5, autosomal dominant (EDMD5). Also called: EMERY-DREIFUSS MUSCULAR DYSTROPHY 5. Identifiers: Orphanet 261, MedGen C2751805, MONDO:0013072, OMIM 612999.

Submission:

Labcorp Genetics (formerly Invitae), Labcorp
Classification: Uncertain significance for Emery-Dreifuss muscular dystrophy 5, autosomal dominant. Last evaluated: 2022-08-23. Review status: criteria provided, single submitter. Criteria: Invitae Variant Classification Sherloc (09022015). Collection method: clinical testing. Allele origin: germline.
Comment: In summary, the available evidence is currently insufficient to determine the role of this variant in disease. Therefore, it has been classified as a Variant of Uncertain Significance. Algorithms developed to predict the effect of missense changes on protein structure and function are either unavailable or do not agree on the potential impact of this missense change (SIFT: "Tolerated"; PolyPhen-2: "Possibly Damaging"; Align-GVGD: "Class C0"). ClinVar contains an entry for this variant (Variation ID: 1367264). This variant has not been reported in the literature in individuals affected with SYNE2-related conditions. This variant is not present in population databases (gnomAD no frequency). This sequence change replaces lysine, which is basic and polar, with asparagine, which is neutral and polar, at codon 3414 of the SYNE2 protein (p.Lys3414Asn).

NM_182914.3(SYNE2):c.10242A>C (p.Lys3414Asn)

Gene: SYNE2 (spectrin repeat containing nuclear envelope protein 2; plus strand). Cytogenetic location: 14q23.2.
Variant type: single nucleotide variant.
Coding change: c.10242A>C on transcript NM_182914.3 (MANE Select); coding-DNA position 10242, A replaced by C.
Protein change: p.Lys3414Asn; replaces lysine 3414 with asparagine.
Molecular consequence: missense variant.
Genome position (GRCh38, 1-based): chr14:64,065,461, A>C. VCF-style: chr14-64065461-A-C. GRCh37 (hg19) VCF-style: chr14-64532179-A-C.
Other names: c.10242A>C, p.Lys3414Asn (NM_015180.6); c.10242A>C (NM_182914.2); short protein forms K3414N.
Identifiers: ClinVar variation 1367264 (VCV001367264.9), dbSNP rs2153592645, ClinGen allele CA389990903.